The following is an entry in ClinVar:

NM_000159.4(GCDH):c.232A>G (p.Arg78Gly)

Genes: GCDH (glutaryl-CoA dehydrogenase; plus strand), LOC117125594 (CRISPRi-FlowFISH-validated KLF1 regulatory element; plus strand). Cytogenetic location: 19p13.13.
Variant type: single nucleotide variant.
Coding change: c.232A>G on transcript NM_000159.4 (MANE Select); coding-DNA position 232, A replaced by G.
Protein change: p.Arg78Gly; replaces arginine 78 with glycine.
Molecular consequence: missense variant. On other transcripts: non-coding transcript variant (2).
Genome position (GRCh38, 1-based): chr19:12,891,935, A>G. VCF-style: chr19-12891935-A-G. GRCh37 (hg19) VCF-style: chr19-13002749-A-G.
Other names: c.232A>G (NM_000159.2); c.232A>G, p.Arg78Gly (NM_013976.5); short protein forms R78G.
Identifiers: ClinVar variation 1931646 (VCV001931646.5), dbSNP rs2512565101, ClinGen allele CA404315349.

ClinVar aggregate classification (germline): Uncertain significance. Review status: criteria provided, multiple submitters, no conflicts (2 of 4 stars). 4 submissions from 4 submitters: Uncertain significance (4). Last evaluated 2025-08-01.

Conditions:
Inborn genetic diseases. Identifiers: MedGen C0950123, MeSH D030342.
Glutaric aciduria, type 1. Also called: Glutaric Acidemia Type 1; Glutaryl-CoA dehydrogenase deficiency; GA I; Glutaricaciduria, type I; Glutaric acidemia type I; Glutaricacidemia Type 1. Identifiers: Orphanet 25, MedGen C0268595, MONDO:0009281, OMIM 231670.

Submissions (4):

Myriad Genetics, Inc.
Classification: Uncertain significance for Glutaric aciduria, type 1. Last evaluated: 2025-08-01. Review status: criteria provided, single submitter. Criteria: Myriad Autosomal Dominant, Autosomal Recessive and X-Linked Classification Criteria (2023). Collection method: clinical testing. Allele origin: unknown.
Comment: NM_000159.2(GCDH):c.232A>G(R78G) is a missense variant classified as a variant of uncertain significance in the context of glutaric acidemia, GCDH-related. R78G has not been observed in cases with relevant disease. Relevant functional assessments of this variant are not available in the literature. R78G has not been observed in referenced population frequency databases. In summary, there is insufficient evidence to classify NM_000159.2(GCDH):c.232A>G(R78G) as pathogenic or benign. Please note: this variant was assessed in the context of healthy population screening.

Women's Health and Genetics/Laboratory Corporation of America, LabCorp
Classification: Uncertain significance. Last evaluated: 2024-10-08. Review status: criteria provided, single submitter. Criteria: LabCorp Variant Classification Summary - May 2015. Collection method: clinical testing. Allele origin: germline.
Comment: Variant summary: GCDH c.232A>G (p.Arg78Gly) results in a non-conservative amino acid change located in the Acyl-CoA dehydrogenase/oxidase, N-terminal (IPR013786) of the encoded protein sequence. Four of five in-silico tools predict a damaging effect of the variant on protein function. The variant was absent in 251422 control chromosomes (gnomAD). The available data on variant occurrences in the general population are insufficient to allow any conclusion about variant significance. c.232A>G has been reported in the literature (Schuurmans_2023). This report however, does not provide unequivocal conclusions about association of the variant with Glutaric Acidemia Type 1. To our knowledge, no experimental evidence demonstrating an impact on protein function has been reported. The following publication have been ascertained in the context of this evaluation (PMID: 37020324). ClinVar contains an entry for this variant (Variation ID: 1931646). Based on the evidence outlined above, the variant was classified as uncertain significance.

Ambry Genetics
Classification: Uncertain significance for Inborn genetic diseases. Last evaluated: 2024-07-14. Review status: criteria provided, single submitter. Criteria: Ambry Variant Classification Scheme 2023. Collection method: clinical testing. Allele origin: germline.

Labcorp Genetics (formerly Invitae), Labcorp
Classification: Uncertain significance for Glutaric aciduria, type 1. Last evaluated: 2022-07-18. Review status: criteria provided, single submitter. Criteria: Invitae Variant Classification Sherloc (09022015). Collection method: clinical testing. Allele origin: germline.
Comment: This sequence change replaces arginine, which is basic and polar, with glycine, which is neutral and non-polar, at codon 78 of the GCDH protein (p.Arg78Gly). This variant is not present in population databases (gnomAD no frequency). This variant has not been reported in the literature in individuals affected with GCDH-related conditions. Advanced modeling of protein sequence and biophysical properties (such as structural, functional, and spatial information, amino acid conservation, physicochemical variation, residue mobility, and thermodynamic stability) performed at Invitae indicates that this missense variant is expected to disrupt GCDH protein function. In summary, the available evidence is currently insufficient to determine the role of this variant in disease. Therefore, it has been classified as a Variant of Uncertain Significance.

Literature cited by the submitters: PubMed 37020324 (cited by Women's Health and Genetics/Laboratory Corporation of America, LabCorp).